The following is an entry in ClinVar:

NM_000523.4(HOXD13):c.183_206dup (p.Ala64_Ala71dup)

Gene: HOXD13 (homeobox D13; plus strand). Cytogenetic location: 2q31.1.
Variant type: Duplication.
Coding change: c.183_206dup on transcript NM_000523.4 (MANE Select); coding-DNA positions 183 to 206, 24 bases duplicated (AGCGGCGGCTGCGGCGGCGGCGGC).
Protein change: p.Ala64_Ala71dup.
Molecular consequence: inframe insertion.
Genome position (GRCh38, 1-based): chr2:176,093,073-176,093,096, AGCGGCGGCTGCGGCGGCGGCGGC duplicated; duplicating any 24 consecutive bases within chr2:176,093,059-176,093,096 gives the same sequence; the c. name uses the placement nearest the transcript's 3' end. VCF-style (leftmost placement, unchanged base first): chr2-176093058-G-GGCGGCGGCGGCGGCAGCGGCGGCT. GRCh37 (hg19) VCF-style: chr2-176957786-G-GGCGGCGGCGGCGGCAGCGGCGGCT.
Other names: c.183_206dupAGCGGCGGCTGCGGCGGCGGCGGC (NM_000523.3).
Identifiers: ClinVar variation 1323061 (VCV001323061.5), dbSNP rs756844068, ClinGen allele CA2573051715.

ClinVar aggregate classification (germline): Conflicting classifications of pathogenicity. Review status: criteria provided, conflicting classifications (1 of 4 stars). 3 submissions from 3 submitters: Pathogenic (2); Uncertain significance (1). Last evaluated 2024-08-02.

Conditions:
Syndactyly type 5. Also called: Syndactyly, type V; SYNDACTYLY WITH METACARPAL AND METATARSAL FUSION; Syndactyly with associated metacarpal and metatarsal fusion. Identifiers: Orphanet 93406, MedGen C1861348, MONDO:0008516, OMIM 186300.
Synpolydactyly type 1. Identifiers: Orphanet 295195, MedGen C5574994, MONDO:0008513, OMIM 186000.
Brachydactyly type E1 (BDE1). Identifiers: Orphanet 93387, MedGen C1862102, MONDO:0007223, OMIM 113300.
Brachydactyly-syndactyly syndrome (BDSD). Identifiers: Orphanet 93409, MedGen C1853137, MONDO:0012544, OMIM 610713.
Brachydactyly type D. Also called: STUB THUMB. Identifiers: MedGen C0220664, MONDO:0007222, OMIM 113200, HP:0005627.
Inborn genetic diseases. Identifiers: MedGen C0950123, MeSH D030342.

Submissions (3):

Ambry Genetics
Classification: Pathogenic for Inborn genetic diseases. Last evaluated: 2024-08-02. Review status: criteria provided, single submitter. Criteria: Ambry Variant Classification Scheme 2023. Collection method: clinical testing. Allele origin: germline.
Comment: The c.183_206dup24 (p.A64_A71dup) alteration, located in coding exon 1 of the HOXD13 gene, results from an in-frame duplication of 24 nucleotides at positions 183 to 206. This results in the insertion of eight amino acids between codons 64 and 71. This variant was not reported in population-based cohorts in the Genome Aggregation Database (gnomAD). The eight alanine expansion has been reported to segregate with disease in multiple families with varying degrees of synpolydactyly, syndactyly, polydactyly, camptodactyly, and/or clinodactyly, including a de novo occurrence (Muragaki, 1996; Goodman, 1997; Zaib, 2019; Guo, 2021; Elsner, 2021). In multiple assays testing HOXD13 function, this variant showed functionally abnormal results (Albrecht, 2004; Kuss, 2009; Guo, 2021). Based on the available evidence, this alteration is classified as pathogenic.

Labcorp Genetics (formerly Invitae), Labcorp
Classification: Uncertain significance. Last evaluated: 2024-07-19. Review status: criteria provided, single submitter. Criteria: Invitae Variant Classification Sherloc (09022015). Collection method: clinical testing. Allele origin: germline.
Comment: This variant, c.183_206dup, results in the insertion of 8 amino acid(s) of the HOXD13 protein (p.Ala64_Ala71dup), but otherwise preserves the integrity of the reading frame. This variant is not present in population databases (gnomAD no frequency). This variant has not been reported in the literature in individuals affected with HOXD13-related conditions. ClinVar contains an entry for this variant (Variation ID: 1323061). In summary, the available evidence is currently insufficient to determine the role of this variant in disease. Therefore, it has been classified as a Variant of Uncertain Significance.

Fulgent Genetics
Classification: Pathogenic for Brachydactyly type D; Brachydactyly type E1; Synpolydactyly type 1; Syndactyly type 5; Brachydactyly-syndactyly syndrome. Last evaluated: 2022-02-26. Review status: criteria provided, single submitter. Criteria: ACMG Guidelines, 2015. Collection method: clinical testing. Allele origin: unknown.

Literature cited by the submitters: PubMed 8614804 (cited by Ambry Genetics); PubMed 9207113 (cited by Ambry Genetics); PubMed 15333588 (cited by Ambry Genetics); PubMed 19075394 (cited by Ambry Genetics); PubMed 22406499 (cited by Ambry Genetics); PubMed 31870337 (cited by Ambry Genetics); PubMed 34159400 (cited by Ambry Genetics); PubMed 34777468 (cited by Ambry Genetics).